The following is an entry in ClinVar:

NM_001165963.4(SCN1A):c.3692G>A (p.Ser1231Asn)

Genes: SCN1A (sodium voltage-gated channel alpha subunit 1; minus strand), LOC102724058 (uncharacterized LOC102724058; plus strand). Cytogenetic location: 2q24.3.
Variant type: single nucleotide variant.
Coding change: c.3692G>A on transcript NM_001165963.4 (MANE Select); coding-DNA position 3692, G replaced by A.
Protein change: p.Ser1231Asn; replaces serine 1231 with asparagine.
Molecular consequence: missense variant. On other transcripts: non-coding transcript variant (1).
Genome position (GRCh38, 1-based): chr2:166,013,757, C>T on the plus strand (G>A on the coding strand, the complement: SCN1A is on the minus strand). VCF-style: chr2-166013757-C-T. GRCh37 (hg19) VCF-style: chr2-166870267-C-T.
Other names: c.3659G>A, p.Ser1220Asn (NM_001353952.2, NM_006920.6, NM_001353949.2 and 2 more transcripts); c.3656G>A, p.Ser1219Asn (NM_001353954.2, NM_001353955.2); c.3608G>A, p.Ser1203Asn (NM_001353957.2, NM_001353958.2, NM_001165964.3); c.3605G>A, p.Ser1202Asn (NM_001353960.2); c.1250G>A, p.Ser417Asn (NM_001353961.2); c.3692G>A, p.Ser1231Asn (NM_001202435.3, NM_001353948.2); short protein forms S1202N, S1203N, S1231N, S1219N, S1220N, S417N.
Identifiers: ClinVar variation 2972409 (VCV002972409.3), dbSNP rs121918800, ClinGen allele CA349055686.

ClinVar aggregate classification (germline): Likely pathogenic (1 of 4 stars; one submission).

Conditions:
Early-infantile DEE. Also called: Ohtahara syndrome; Early infantile epileptic encephalopathy with suppression bursts; Early infantile epileptic encephalopathy. Identifiers: Orphanet 1934, MedGen C0393706, MONDO:0800491.

Allele frequency attached by ClinVar (database versions not stated): gnomAD exomes below 0.00001.
gnomAD v4.1: 1 of 1,611,730 alleles (0.000062%); highest among the groups gnomAD compares: East Asian, 0.0022%; no homozygotes.

Submission:

Labcorp Genetics (formerly Invitae), Labcorp
Classification: Likely pathogenic for Early-infantile DEE. Last evaluated: 2023-06-14. Review status: criteria provided, single submitter. Criteria: Invitae Variant Classification Sherloc (09022015). Collection method: clinical testing. Allele origin: germline.
Comment: In summary, the currently available evidence indicates that the variant is pathogenic, but additional data are needed to prove that conclusively. Therefore, this variant has been classified as Likely Pathogenic. This variant disrupts the p.Ser123 amino acid residue in SCN1A. Other variant(s) that disrupt this residue have been determined to be pathogenic (PMID: 16458823). This suggests that this residue is clinically significant, and that variants that disrupt this residue are likely to be disease-causing. Advanced modeling of protein sequence and biophysical properties (such as structural, functional, and spatial information, amino acid conservation, physicochemical variation, residue mobility, and thermodynamic stability) performed at Invitae indicates that this missense variant is expected to disrupt SCN1A protein function. This variant has not been reported in the literature in individuals affected with SCN1A-related conditions. This variant is not present in population databases (gnomAD no frequency). This sequence change replaces serine, which is neutral and polar, with asparagine, which is neutral and polar, at codon 1231 of the SCN1A protein (p.Ser1231Asn).

Literature cited by the submitters: PubMed 16458823.